The following is an entry in ClinVar:

NM_004360.5(CDH1):c.1008+8G>T

Gene: CDH1 (cadherin 1; plus strand). Cytogenetic location: 16q22.1.
Variant type: single nucleotide variant.
Coding change: c.1008+8G>T on transcript NM_004360.5 (MANE Select); 8 bases into the intron after coding-DNA position 1008, G replaced by T.
Molecular consequence: intron variant.
Genome position (GRCh38, 1-based): chr16:68,811,867, G>T. VCF-style: chr16-68811867-G-T. GRCh37 (hg19) VCF-style: chr16-68845770-G-T.
Other names: c.-608+8G>T (NM_001317185.2); c.-812+8G>T (NM_001317186.2); c.1008+8G>T (NM_001317184.2).
Identifiers: ClinVar variation 744113 (VCV000744113.15), dbSNP rs990193541, ClinGen allele CA283300378.
Genomic context (GRCh38, chr16:68,811,867, plus strand): 5'-TTAACAGGAACACAGGAGTCATCAGTGTGGTCACCACTGGGCTGGACCGAGAGGTCAGGG[G>T]TCAGGAGGATCCAGAGGGTGTGGAGGACAAATGTGTATTAGCTCAATCCCGTGGACAAAG-3'

ClinVar aggregate classification (germline): Conflicting classifications of pathogenicity. Review status: criteria provided, conflicting classifications (1 of 4 stars). 4 submissions from 4 submitters: Uncertain significance (2); Likely benign (2). Last evaluated 2024-09-17.

Conditions:
Hereditary diffuse gastric adenocarcinoma (HDGC). Also called: DIFFUSE GASTRIC AND LOBULAR BREAST CANCER SYNDROME. Identifiers: Orphanet 26106, MedGen C1708349, MONDO:0007648, OMIM 137215.
Familial cancer of breast. Also called: BREAST CANCER, FAMILIAL; hereditary breast carcinoma; Hereditary breast cancer. Identifiers: Orphanet 227535, MedGen C0346153, MONDO:0016419, OMIM 114480. Disease mechanism: loss of function.
Ovarian cancer. Also called: OVARIAN CANCER, SOMATIC. Identifiers: Orphanet 213500, MedGen C1140680, MONDO:0008170, OMIM 167000.

Allele frequency attached by ClinVar (database versions not stated): gnomAD exomes below 0.00001.
gnomAD v4.1: 4 of 1,614,004 alleles (0.00025%); highest among the groups gnomAD compares: Non-Finnish European, 0.00034%; no homozygotes.

Submissions (4):

Myriad Genetics, Inc.
Classification: Likely benign for Hereditary diffuse gastric adenocarcinoma. Last evaluated: 2024-09-17. Review status: criteria provided, single submitter. Criteria: Myriad Autosomal Dominant, Autosomal Recessive and X-Linked Classification Criteria (2023). Collection method: clinical testing. Allele origin: unknown.
Comment: This variant is considered likely benign. This variant is intronic and is not expected to impact mRNA splicing.

Labcorp Genetics (formerly Invitae), Labcorp
Classification: Likely benign for Hereditary diffuse gastric adenocarcinoma. Last evaluated: 2023-11-27. Review status: criteria provided, single submitter. Criteria: Invitae Variant Classification Sherloc (09022015). Collection method: clinical testing. Allele origin: germline.

Department of Pathology and Laboratory Medicine, Sinai Health System
Classification: Uncertain significance for Familial cancer of breast; Ovarian cancer. Last evaluated: 2021-07-12. Review status: criteria provided, single submitter. Criteria: ACMG Guidelines, 2015. Collection method: clinical testing. Allele origin: germline. Affected: yes.

Mendelics
Classification: Uncertain significance for Hereditary diffuse gastric adenocarcinoma. Last evaluated: 2019-05-28. Review status: criteria provided, single submitter. Criteria: Mendelics Assertion Criteria 2017. Collection method: clinical testing. Allele origin: unknown.